The following is an entry in ClinVar:

ClinVar aggregate classification (germline): Uncertain significance (1 of 4 stars; one submission).

gnomAD v4.1: 13 of 1,512,118 alleles (0.00086%); highest among the groups gnomAD compares: Non-Finnish European, 0.0011%; no homozygotes.

Submission:

Labcorp Genetics (formerly Invitae), Labcorp
Classification: Uncertain significance. Last evaluated: 2021-08-26. Review status: criteria provided, single submitter. Criteria: Invitae Variant Classification Sherloc (09022015). Collection method: clinical testing. Allele origin: germline.
Comment: This sequence change replaces glycine with arginine at codon 916 of the PDZD7 protein (p.Gly916Arg). The glycine residue is weakly conserved and there is a moderate physicochemical difference between glycine and arginine. The frequency data for this variant in the population databases is considered unreliable, as metrics indicate insufficient coverage at this position in the ExAC database. This variant has not been reported in the literature in individuals affected with PDZD7-related conditions. Algorithms developed to predict the effect of missense changes on protein structure and function are either unavailable or do not agree on the potential impact of this missense change (SIFT: "Deleterious"; PolyPhen-2: "Not Available"; Align-GVGD: "Class C0"). In summary, the available evidence is currently insufficient to determine the role of this variant in disease. Therefore, it has been classified as a Variant of Uncertain Significance.

NM_001195263.2(PDZD7):c.2746G>C (p.Gly916Arg)

Gene: PDZD7 (PDZ domain containing 7; minus strand). Cytogenetic location: 10q24.31.
Variant type: single nucleotide variant.
Coding change: c.2746G>C on transcript NM_001195263.2 (MANE Select); coding-DNA position 2746, G replaced by C.
Protein change: p.Gly916Arg; replaces glycine 916 with arginine.
Molecular consequence: missense variant.
Genome position (GRCh38, 1-based): chr10:101,008,823, C>G on the plus strand (G>C on the coding strand, the complement: PDZD7 is on the minus strand). VCF-style: chr10-101008823-C-G. GRCh37 (hg19) VCF-style: chr10-102768580-C-G.
Other names: short protein forms G916R.
Identifiers: ClinVar variation 935279 (VCV000935279.7), dbSNP rs1052443941, ClinGen allele CA378223429.